The following is an entry in ClinVar:

NM_000211.5(ITGB2):c.808G>A (p.Ala270Thr)

Gene: ITGB2 (integrin subunit beta 2; minus strand). Cytogenetic location: 21q22.3.
Variant type: single nucleotide variant.
Coding change: c.808G>A on transcript NM_000211.5 (MANE Select); coding-DNA position 808, G replaced by A.
Protein change: p.Ala270Thr; replaces alanine 270 with threonine.
Molecular consequence: missense variant.
Genome position (GRCh38, 1-based): chr21:44,900,409, C>T on the plus strand (G>A on the coding strand, the complement: ITGB2 is on the minus strand). VCF-style: chr21-44900409-C-T. GRCh37 (hg19) VCF-style: chr21-46320324-C-T.
Other names: c.808G>A, p.Ala270Thr (NM_001127491.3); c.601G>A, p.Ala201Thr (NM_001303238.2); short protein forms A201T, A270T.
Identifiers: ClinVar variation 897929 (VCV000897929.13), dbSNP rs148775158, ClinGen allele CA10063057.

ClinVar aggregate classification (germline): Uncertain significance. Review status: criteria provided, multiple submitters, no conflicts (2 of 4 stars). 3 submissions from 3 submitters: Uncertain significance (3). Last evaluated 2024-05-02.

Conditions:
Leukocyte adhesion deficiency 1 (LAD1). Also called: LAD 1; Lymphocyte function-associated antigen 1 immunodeficiency; LFA 1 immunodeficiency; LEUKOCYTE ADHESION DEFICIENCY, TYPE I. Identifiers: Orphanet 2968, Orphanet 99842, MedGen C0398738, MONDO:0007293, OMIM 116920.

Allele frequency attached by ClinVar (database versions not stated): gnomAD exomes 0.00002 and 0.00005; TOPMed 0.00003; gnomAD 0.00004 and 0.00007; ExAC 0.00006; ESP Exome Variant Server 0.00008; 1000 Genomes Project 0.00080; 1000 Genomes Project 30x 0.00109.
gnomAD v4.1: 46 of 1,614,074 alleles (0.0028%); highest among the groups gnomAD compares: African/African-American, 0.019%; no homozygotes.

Submissions (3):

Labcorp Genetics (formerly Invitae), Labcorp
Classification: Uncertain significance for Leukocyte adhesion deficiency 1. Last evaluated: 2024-05-02. Review status: criteria provided, single submitter. Criteria: Invitae Variant Classification Sherloc (09022015). Collection method: clinical testing. Allele origin: germline.
Comment: This sequence change replaces alanine, which is neutral and non-polar, with threonine, which is neutral and polar, at codon 270 of the ITGB2 protein (p.Ala270Thr). This variant is present in population databases (rs148775158, gnomAD 0.04%). This variant has not been reported in the literature in individuals affected with ITGB2-related conditions. ClinVar contains an entry for this variant (Variation ID: 897929). Advanced modeling of protein sequence and biophysical properties (such as structural, functional, and spatial information, amino acid conservation, physicochemical variation, residue mobility, and thermodynamic stability) has been performed at Invitae for this missense variant, however the output from this modeling did not meet the statistical confidence thresholds required to predict the impact of this variant on ITGB2 protein function. This variant disrupts the p.Ala270 amino acid residue in ITGB2. Other variant(s) that disrupt this residue have been determined to be pathogenic (PMID: 11703376, 22134107, 25703682, 33391282). This suggests that this residue is clinically significant, and that variants that disrupt this residue are likely to be disease-causing. In summary, the available evidence is currently insufficient to determine the role of this variant in disease. Therefore, it has been classified as a Variant of Uncertain Significance.

GeneDx
Classification: Uncertain significance. Last evaluated: 2023-11-24. Review status: criteria provided, single submitter. Criteria: GeneDx Variant Classification Process June 2021. Collection method: clinical testing. Allele origin: germline. Affected: yes.
Comment: In silico analysis supports that this missense variant has a deleterious effect on protein structure/function; Has not been previously published as pathogenic or benign to our knowledge

Illumina Laboratory Services, Illumina
Classification: Uncertain significance for Leukocyte adhesion deficiency 1. Last evaluated: 2018-01-13. Review status: criteria provided, single submitter. Criteria: ICSL Variant Classification Criteria 13 December 2019. Collection method: clinical testing. Allele origin: germline.

Literature cited by the submitters: PubMed 11703376 (cited by Labcorp Genetics (formerly Invitae), Labcorp); PubMed 22134107 (cited by Labcorp Genetics (formerly Invitae), Labcorp); PubMed 25703682 (cited by Labcorp Genetics (formerly Invitae), Labcorp); PubMed 33391282 (cited by Labcorp Genetics (formerly Invitae), Labcorp).